The following is an entry in ClinVar:

NM_000038.6(APC):c.7469A>G (p.Asp2490Gly)

Gene: APC (APC regulator of Wnt signaling pathway; plus strand). Cytogenetic location: 5q22.2.
Variant type: single nucleotide variant.
Coding change: c.7469A>G on transcript NM_000038.6 (MANE Select); coding-DNA position 7469, A replaced by G.
Protein change: p.Asp2490Gly; replaces aspartic acid 2490 with glycine.
Molecular consequence: missense variant.
Genome position (GRCh38, 1-based): chr5:112,843,063, A>G. VCF-style: chr5-112843063-A-G. GRCh37 (hg19) VCF-style: chr5-112178760-A-G.
Other names: c.7469A>G, p.Asp2490Gly (NM_001127510.3, NM_001354895.2); c.7415A>G, p.Asp2472Gly (NM_001127511.3); c.7523A>G, p.Asp2508Gly (NM_001354896.2); c.7499A>G, p.Asp2500Gly (NM_001354897.2); c.7394A>G, p.Asp2465Gly (NM_001354898.2); c.7385A>G, p.Asp2462Gly (NM_001354899.2); c.7346A>G, p.Asp2449Gly (NM_001354900.2); c.7292A>G, p.Asp2431Gly (NM_001354901.2); and 5 more; short protein forms D2490G, D2472G, D2207G, D2364G, D2431G, D2500G, D2399G, D2330G.
Identifiers: ClinVar variation 487042 (VCV000487042.25), dbSNP rs771003881, ClinGen allele CA16037580.

ClinVar aggregate classification (germline): Uncertain significance. Review status: criteria provided, multiple submitters, no conflicts (2 of 4 stars). 5 submissions from 5 submitters: Uncertain significance (5). Last evaluated 2025-09-27.

Conditions:
Classic or attenuated familial adenomatous polyposis. Identifiers: MedGen CN372698, MONDO:0021057.
Hereditary cancer-predisposing syndrome. Also called: Tumor predisposition; Hereditary Cancer Syndrome; Hereditary neoplastic syndrome; Neoplastic Syndromes, Hereditary. Identifiers: Orphanet 140162, MedGen C0027672, MeSH D009386, MONDO:0015356.
Familial adenomatous polyposis 1 (FAP1). Also called: FAMILIAL ADENOMATOUS POLYPOSIS 1, ATTENUATED; POLYPOSIS, ADENOMATOUS INTESTINAL. Identifiers: MedGen C2713442, MONDO:0021056, OMIM 175100. Disease mechanism: loss of function.

Allele frequency attached by ClinVar (database versions not stated): gnomAD exomes below 0.00001.
gnomAD v4.1: 1 of 1,613,938 alleles (0.000062%); highest among the groups gnomAD compares: Non-Finnish European, 0.000085%; no homozygotes.

Submissions (5):

Ambry Genetics
Classification: Uncertain significance for Hereditary cancer-predisposing syndrome. Last evaluated: 2025-09-27. Review status: criteria provided, single submitter. Criteria: Ambry Variant Classification Scheme 2023. Collection method: clinical testing. Allele origin: germline.
Comment: The p.D2490G variant (also known as c.7469A>G), located in coding exon 15 of the APC gene, results from an A to G substitution at nucleotide position 7469. The aspartic acid at codon 2490 is replaced by glycine, an amino acid with similar properties. This amino acid position is highly conserved in available vertebrate species. In addition, in silico predictors for this gene do not accurately predict pathogenicity. Since supporting evidence is limited at this time, the clinical significance of this alteration remains unclear.

Labcorp Genetics (formerly Invitae), Labcorp
Classification: Uncertain significance for Familial adenomatous polyposis 1. Last evaluated: 2025-07-31. Review status: criteria provided, single submitter. Criteria: Invitae Variant Classification Sherloc (09022015). Collection method: clinical testing. Allele origin: germline.
Comment: This sequence change replaces aspartic acid, which is acidic and polar, with glycine, which is neutral and non-polar, at codon 2490 of the APC protein (p.Asp2490Gly). This variant is not present in population databases (gnomAD no frequency). This variant has not been reported in the literature in individuals affected with APC-related conditions. ClinVar contains an entry for this variant (Variation ID: 487042). Invitae Evidence Modeling of protein sequence and biophysical properties (such as structural, functional, and spatial information, amino acid conservation, physicochemical variation, residue mobility, and thermodynamic stability) indicates that this missense variant is not expected to disrupt APC protein function with a negative predictive value of 95%. RNA analysis performed to evaluate the impact of this missense change on mRNA splicing indicates it does not significantly alter splicing (internal data). In summary, the available evidence is currently insufficient to determine the role of this variant in disease. Therefore, it has been classified as a Variant of Uncertain Significance.

All of Us Research Program, National Institutes of Health
Classification: Uncertain significance for Classic or attenuated familial adenomatous polyposis. Last evaluated: 2024-04-25. Review status: criteria provided, single submitter. Criteria: ACMG Guidelines, 2015. Collection method: clinical testing. Allele origin: germline. Inheritance: Autosomal dominant inheritance. Observed: 1 variant allele, 1 heterozygote.
Comment: This missense variant replaces aspartic acid with glycine at codon 2490 of the APC protein. Computational prediction is inconclusive regarding the impact of this variant on protein structure and function (internally defined REVEL score threshold 0.5 < inconclusive < 0.7, PMID: 27666373). To our knowledge, functional studies have not been reported for this variant. This variant has not been reported in individuals affected with hereditary cancer in the literature. This variant has not been identified in the general population by the Genome Aggregation Database (gnomAD). The available evidence is insufficient to determine the role of this variant in disease conclusively. Therefore, this variant is classified as a Variant of Uncertain Significance.

This study involves interpretation of variants in research participants for the purpose of population health screening. Participant phenotype was not available at the time of variant classification. Additional details can be found in publication PMID: 35346344, PMCID: PMC8962531

Color Diagnostics, LLC DBA Color Health
Classification: Uncertain significance for Hereditary cancer-predisposing syndrome. Last evaluated: 2024-03-06. Review status: criteria provided, single submitter. Criteria: ACMG Guidelines, 2015. Collection method: clinical testing. Allele origin: germline.
Comment: This missense variant replaces aspartic acid with glycine at codon 2490 of the APC protein. Computational prediction is inconclusive regarding the impact of this variant on protein structure and function (internally defined REVEL score threshold 0.5 < inconclusive < 0.7, PMID: 27666373). To our knowledge, functional studies have not been reported for this variant. This variant has not been reported in individuals affected with hereditary cancer in the literature. This variant has not been identified in the general population by the Genome Aggregation Database (gnomAD). The available evidence is insufficient to determine the role of this variant in disease conclusively. Therefore, this variant is classified as a Variant of Uncertain Significance.

GeneDx
Classification: Uncertain significance. Last evaluated: 2020-03-13. Review status: criteria provided, single submitter. Criteria: GeneDx Variant Classification Process June 2021. Collection method: clinical testing. Allele origin: germline. Affected: yes.
Comment: Not observed in large population cohorts (Lek et al., 2016); In silico analysis supports that this missense variant does not alter protein structure/function; Has not been previously published as pathogenic or benign to our knowledge